The following is an entry in ClinVar:

NM_001379200.1(TBX1):c.221C>T (p.Pro74Leu)

Gene: TBX1 (T-box transcription factor 1; plus strand). Cytogenetic location: 22q11.21.
Variant type: single nucleotide variant.
Coding change: c.221C>T on transcript NM_001379200.1 (MANE Select); coding-DNA position 221, C replaced by T.
Protein change: p.Pro74Leu; replaces proline 74 with leucine.
Molecular consequence: missense variant.
Genome position (GRCh38, 1-based): chr22:19,761,064, C>T. VCF-style: chr22-19761064-C-T. GRCh37 (hg19) VCF-style: chr22-19748587-C-T.
Other names: c.194C>T, p.Pro65Leu (NM_005992.1, NM_080646.2, NM_080647.1); short protein forms P65L, P74L.
Identifiers: ClinVar variation 2194971 (VCV002194971.4), dbSNP rs2517842179, ClinGen allele CA410681403.

ClinVar aggregate classification (germline): Uncertain significance (1 of 4 stars; one submission).

Conditions:
DiGeorge syndrome. Also called: THIRD AND FOURTH PHARYNGEAL POUCH SYNDROME; Catch22. Identifiers: Orphanet 567, MedGen C0012236, MONDO:0008564, OMIM 188400.

Allele frequency attached by ClinVar (database versions not stated): gnomAD exomes below 0.00001.
gnomAD v4.1: 1 of 920,578 alleles (0.00011%); highest among the groups gnomAD compares: Non-Finnish European, 0.00013%; no homozygotes.

Submission:

Labcorp Genetics (formerly Invitae), Labcorp
Classification: Uncertain significance for DiGeorge syndrome. Last evaluated: 2025-12-27. Review status: criteria provided, single submitter. Criteria: Invitae Variant Classification Sherloc (09022015). Collection method: clinical testing. Allele origin: germline.
Comment: This sequence change replaces proline, which is neutral and non-polar, with leucine, which is neutral and non-polar, at codon 65 of the TBX1 protein (p.Pro65Leu). The frequency data for this variant in the population databases is considered unreliable, as metrics indicate insufficient coverage at this position in the gnomAD database. This variant has not been reported in the literature in individuals affected with TBX1-related conditions. ClinVar contains an entry for this variant (Variation ID: 2194971). Invitae Evidence Modeling of protein sequence and biophysical properties (such as structural, functional, and spatial information, amino acid conservation, physicochemical variation, residue mobility, and thermodynamic stability) indicates that this missense variant is not expected to disrupt TBX1 protein function with a negative predictive value of 80%. In summary, the available evidence is currently insufficient to determine the role of this variant in disease. Therefore, it has been classified as a Variant of Uncertain Significance.